The following is an entry in ClinVar:

ClinVar aggregate classification (germline): Uncertain significance (1 of 4 stars; one submission).

Conditions:
Autosomal dominant hypocalcemia 1 (HYPOC1). Also called: HYPOCALCEMIA, FAMILIAL. Identifiers: MedGen C3715128, MONDO:0011013, OMIM 601198.
Familial hypocalciuric hypercalcemia (FHH). Also called: Familial benign hypercalcemia. Identifiers: Orphanet 405, MedGen C1809471, MONDO:0018458.

Allele frequency attached by ClinVar (database versions not stated): gnomAD exomes below 0.00001.
gnomAD v4.1: 1 of 1,614,104 alleles (0.000062%); highest among the groups gnomAD compares: Non-Finnish European, 0.000085%; no homozygotes.

Submission:

Labcorp Genetics (formerly Invitae), Labcorp
Classification: Uncertain significance for Familial hypocalciuric hypercalcemia; Autosomal dominant hypocalcemia 1. Last evaluated: 2019-12-23. Review status: criteria provided, single submitter. Criteria: Invitae Variant Classification Sherloc (09022015). Collection method: clinical testing. Allele origin: germline.
Comment: This sequence change replaces leucine with phenylalanine at codon 812 of the CASR protein (p.Leu812Phe). The leucine residue is highly conserved and there is a small physicochemical difference between leucine and phenylalanine. In summary, the available evidence is currently insufficient to determine the role of this variant in disease. Therefore, it has been classified as a Variant of Uncertain Significance. Algorithms developed to predict the effect of missense changes on protein structure and function are either unavailable or do not agree on the potential impact of this missense change (SIFT: "Deleterious"; PolyPhen-2: "Possibly Damaging"; Align-GVGD: "Class C0"). This variant has not been reported in the literature in individuals with CASR-related conditions. This variant is not present in population databases (ExAC no frequency).

NM_000388.4(CASR):c.2434C>T (p.Leu812Phe)

Gene: CASR (calcium sensing receptor; plus strand). Cytogenetic location: 3q21.1.
Variant type: single nucleotide variant.
Coding change: c.2434C>T on transcript NM_000388.4 (MANE Select); coding-DNA position 2434, C replaced by T.
Protein change: p.Leu812Phe; replaces leucine 812 with phenylalanine.
Molecular consequence: missense variant.
Genome position (GRCh38, 1-based): chr3:122,284,388, C>T. VCF-style: chr3-122284388-C-T. GRCh37 (hg19) VCF-style: chr3-122003235-C-T.
Other names: c.2464C>T, p.Leu822Phe (NM_001178065.2); short protein forms L822F, L812F.
Identifiers: ClinVar variation 856657 (VCV000856657.10), dbSNP rs1385228926, ClinGen allele CA354159796.